The following is an entry in ClinVar:

NM_000293.3(PHKB):c.1230T>G (p.Tyr410Ter)

Gene: PHKB (phosphorylase kinase regulatory subunit beta; plus strand). Cytogenetic location: 16q12.1.
Variant type: single nucleotide variant.
Coding change: c.1230T>G on transcript NM_000293.3 (MANE Select); coding-DNA position 1230, T replaced by G.
Protein change: p.Tyr410Ter; replaces tyrosine 410 with a stop codon.
Molecular consequence: nonsense.
Genome position (GRCh38, 1-based): chr16:47,596,398, T>G. VCF-style: chr16-47596398-T-G. GRCh37 (hg19) VCF-style: chr16-47630309-T-G.
Other names: c.1209T>G, p.Tyr403Ter (NM_001031835.3); c.1230T>G, p.Tyr410Ter (NM_001363837.1); short protein forms Y410*, Y403*.
Identifiers: ClinVar variation 2815981 (VCV002815981.3), dbSNP rs2506401975, ClinGen allele CA395799726.

ClinVar aggregate classification (germline): Pathogenic (1 of 4 stars; one submission).

Conditions:
Glycogen storage disease IXb (GSD9B). Also called: GLYCOGENOSIS OF LIVER AND MUSCLE, AUTOSOMAL RECESSIVE; GSD IXb; PHOSPHORYLASE KINASE DEFICIENCY OF LIVER AND MUSCLE, AUTOSOMAL RECESSIVE. Identifiers: Orphanet 79240, MedGen C0543514, MONDO:0009868, OMIM 261750.

Submission:

Labcorp Genetics (formerly Invitae), Labcorp
Classification: Pathogenic for Glycogen storage disease IXb. Last evaluated: 2023-12-09. Review status: criteria provided, single submitter. Criteria: Invitae Variant Classification Sherloc (09022015). Collection method: clinical testing. Allele origin: germline.
Comment: This sequence change creates a premature translational stop signal (p.Tyr410*) in the PHKB gene. It is expected to result in an absent or disrupted protein product. Loss-of-function variants in PHKB are known to be pathogenic (PMID: 9215682, 9326319). This variant is not present in population databases (gnomAD no frequency). This variant has not been reported in the literature in individuals affected with PHKB-related conditions. For these reasons, this variant has been classified as Pathogenic.

Literature cited by the submitters: PubMed 9215682; PubMed 9326319.